The following is an entry in ClinVar:

ClinVar aggregate classification (germline): Uncertain significance. Review status: criteria provided, multiple submitters, no conflicts (2 of 4 stars). 3 submissions from 3 submitters: Uncertain significance (3). Last evaluated 2026-01-22.

Conditions:
Inborn genetic diseases. Identifiers: MedGen C0950123, MeSH D030342.

Allele frequency attached by ClinVar (database versions not stated): gnomAD exomes 0.00002 and 0.00006; ExAC 0.00005; gnomAD 0.00010 and 0.00011; ESP Exome Variant Server 0.00015; TOPMed 0.00020.
gnomAD v4.1: 52 of 1,611,218 alleles (0.0032%); highest among the groups gnomAD compares: African/African-American, 0.044%; no homozygotes.

Submissions (3):

Women's Health and Genetics/Laboratory Corporation of America, LabCorp
Classification: Uncertain significance. Last evaluated: 2026-01-22. Review status: criteria provided, single submitter. Criteria: LabCorp Variant Classification Summary - May 2015. Collection method: clinical testing. Allele origin: germline.

Ambry Genetics
Classification: Uncertain significance for Inborn genetic diseases. Last evaluated: 2025-06-10. Review status: criteria provided, single submitter. Criteria: Ambry Variant Classification Scheme 2023. Collection method: clinical testing. Allele origin: germline.

Labcorp Genetics (formerly Invitae), Labcorp
Classification: Uncertain significance. Last evaluated: 2022-07-17. Review status: criteria provided, single submitter. Criteria: Invitae Variant Classification Sherloc (09022015). Collection method: clinical testing. Allele origin: germline.
Comment: This sequence change replaces arginine, which is basic and polar, with histidine, which is basic and polar, at codon 563 of the CHUK protein (p.Arg563His). This variant is present in population databases (rs144642900, gnomAD 0.06%). This variant has not been reported in the literature in individuals affected with CHUK-related conditions. ClinVar contains an entry for this variant (Variation ID: 1490322). Algorithms developed to predict the effect of missense changes on protein structure and function output the following: SIFT: "Not Available"; PolyPhen-2: "Benign"; Align-GVGD: "Not Available". The histidine amino acid residue is found in multiple mammalian species, which suggests that this missense change does not adversely affect protein function. In summary, the available evidence is currently insufficient to determine the role of this variant in disease. Therefore, it has been classified as a Variant of Uncertain Significance.

NM_001278.5(CHUK):c.1688G>A (p.Arg563His)

Gene: CHUK (component of inhibitor of nuclear factor kappa B kinase complex; minus strand). Cytogenetic location: 10q24.31.
Variant type: single nucleotide variant.
Coding change: c.1688G>A on transcript NM_001278.5 (MANE Select); coding-DNA position 1688, G replaced by A.
Protein change: p.Arg563His; replaces arginine 563 with histidine.
Molecular consequence: missense variant.
Genome position (GRCh38, 1-based): chr10:100,200,012, C>T on the plus strand (G>A on the coding strand, the complement: CHUK is on the minus strand). VCF-style: chr10-100200012-C-T. GRCh37 (hg19) VCF-style: chr10-101959769-C-T.
Other names: c.1688G>A, p.Arg563His (NM_001320928.2); c.1688G>A (NM_001278.3); short protein forms R563H.
Identifiers: ClinVar variation 1490322 (VCV001490322.8), dbSNP rs144642900, ClinGen allele CA5646364.